The following is an entry in ClinVar:

NM_058216.3(RAD51C):c.664_681del (p.Gln222_Pro227del)

Genes: RAD51C (RAD51 paralog C; plus strand), LOC129390903 (MPRA-validated peak2919 silencer; plus strand). Cytogenetic location: 17q22.
Variant type: Deletion.
Coding change: c.664_681del on transcript NM_058216.3 (MANE Select); coding-DNA positions 664 to 681, 18 bases deleted (CAAGTTTATCTTCTTCCA).
Protein change: p.Gln222_Pro227del.
Molecular consequence: inframe deletion. On other transcripts: non-coding transcript variant (1).
Genome position (GRCh38, 1-based): chr17:58,703,288-58,703,305, CAAGTTTATCTTCTTCCA deleted; deleting any 18 consecutive bases within chr17:58,703,286-58,703,305 gives the same sequence; the c. name uses the placement nearest the transcript's 3' end. VCF-style (leftmost placement, unchanged base first): chr17-58703285-GCACAAGTTTATCTTCTTC-G. GRCh37 (hg19) VCF-style: chr17-56780646-GCACAAGTTTATCTTCTTC-G.
Other names: c.*92_*109del18 (NM_058217.1).
Identifiers: ClinVar variation 1754646 (VCV001754646.3), dbSNP rs2509300030, ClinGen allele CA2580094328.

ClinVar aggregate classification (germline): Uncertain significance (1 of 4 stars; one submission).

Conditions:
Hereditary cancer-predisposing syndrome. Also called: Neoplastic Syndromes, Hereditary; Tumor predisposition; Hereditary Cancer Syndrome; Hereditary neoplastic syndrome. Identifiers: Orphanet 140162, MedGen C0027672, MeSH D009386, MONDO:0015356.

Submission:

Ambry Genetics
Classification: Uncertain significance for Hereditary cancer-predisposing syndrome. Last evaluated: 2024-08-06. Review status: criteria provided, single submitter. Criteria: Ambry Variant Classification Scheme 2023. Collection method: clinical testing. Allele origin: germline.
Comment: The c.664_681del18 variant (also known as p.Q222_P227del) is located in coding exon 4 of the RAD51C gene. This variant results from an in-frame CAAGTTTATCTTCTTCCA deletion at nucleotide positions 664 to 681. This results in the in-frame deletion of six amino acids at codons 222 to 227. This amino acid region is well conserved in available vertebrate species. In addition, this alteration is predicted to be deleterious by in silico analysis (Choi Y et al. PLoS ONE. 2012; 7(10):e46688). Based on the available evidence, the clinical significance of this variant remains unclear.